The following is an entry in ClinVar:

NM_022463.5(NXN):c.543C>T (p.Asn181=)

Gene: NXN (nucleoredoxin; minus strand). Cytogenetic location: 17p13.3.
Variant type: single nucleotide variant.
Coding change: c.543C>T on transcript NM_022463.5 (MANE Select); coding-DNA position 543, C replaced by T.
Protein change: p.Asn181=; no amino-acid change (asparagine 181 retained).
Molecular consequence: synonymous variant.
Genome position (GRCh38, 1-based): chr17:823,701, G>A on the plus strand (C>T on the coding strand, the complement: NXN is on the minus strand). VCF-style: chr17-823701-G-A. GRCh37 (hg19) VCF-style: chr17-726941-G-A.
Other names: c.219C>T, p.Asn73= (NM_001205319.1).
Identifiers: ClinVar variation 712204 (VCV000712204.14), dbSNP rs113173467, ClinGen allele CA8264182.

ClinVar aggregate classification (germline): Benign/Likely benign. Review status: criteria provided, multiple submitters, no conflicts (2 of 4 stars). 4 submissions from 4 submitters: Benign (2); Likely benign (1). 1 of the submissions does not count toward it. Last evaluated 2026-02-01.

Conditions:
Robinow syndrome, autosomal recessive 2. Identifiers: MedGen C5193143, MONDO:0032800, OMIM 618529.
NXN-related disorder. Also called: NXN-related condition.

Allele frequency attached by ClinVar (database versions not stated): gnomAD exomes 0.00092 and 0.00194; ExAC 0.00232; 1000 Genomes Project 0.00419; 1000 Genomes Project 30x 0.00453; gnomAD 0.00679 and 0.00737; TOPMed 0.00728; ESP Exome Variant Server 0.00830.
gnomAD v4.1: 2,448 of 1,614,108 alleles (0.15%); highest among the groups gnomAD compares: African/African-American, 2.2%; 28 homozygotes.

Submissions (4):

Labcorp Genetics (formerly Invitae), Labcorp
Classification: Benign. Last evaluated: 2026-02-01. Review status: criteria provided, single submitter. Criteria: Invitae Variant Classification Sherloc (09022015). Collection method: clinical testing. Allele origin: germline.

Fulgent Genetics
Classification: Likely benign for Robinow syndrome, autosomal recessive 2. Last evaluated: 2022-02-15. Review status: criteria provided, single submitter. Criteria: ACMG Guidelines, 2015. Collection method: clinical testing. Allele origin: unknown.

Breakthrough Genomics
Classification: Benign. Review status: criteria provided, single submitter. Criteria: ACMG Guidelines, 2015. Collection method: not provided. Allele origin: germline. Inheritance: Autosomal recessive inheritance. Affected: yes.

PreventionGenetics, part of Exact Sciences
Classification: Benign for NXN-related condition. Last evaluated: 2019-06-03. Review status: no assertion criteria provided. Collection method: clinical testing. Allele origin: germline. Not counted in ClinVar's aggregate classification.
Comment: This variant is classified as benign based on ACMG/AMP sequence variant interpretation guidelines (Richards et al. 2015 PMID: 25741868, with internal and published modifications).